The following is an entry in ClinVar:

ClinVar aggregate classification (germline): Uncertain significance. Review status: criteria provided, multiple submitters, no conflicts (2 of 4 stars). 7 submissions from 6 submitters: Uncertain significance (7). Last evaluated 2026-01-28.

Conditions:
Familial thoracic aortic aneurysm and aortic dissection (TAAD). Also called: Thoracic aortic aneurysms and dissections. Identifiers: Orphanet 91387, MedGen C4707243, MONDO:0019625.
Loeys-Dietz syndrome 2 (LDS2). Also called: TGFBR2-Related Loeys-Dietz Syndrome; Marfan syndrome, type 2 (formerly); AORTIC ANEURYSM, FAMILIAL THORACIC 3; MARFAN SYNDROME, TYPE II; Marfan Syndrome type 2; Marfan like connective tissue disorder. Identifiers: Orphanet 284973, Orphanet 558, MedGen C2674574, MONDO:0012427, OMIM 610168.
Malignant tumor of esophagus. Also called: Esophageal cancer, somatic; Esophageal cancer. Identifiers: Orphanet 99977, MedGen C0546837, MONDO:0007576, OMIM 133239.
Colorectal cancer, hereditary nonpolyposis, type 6. Also called: Colon cancer, hereditary nonpolyposis, type 6; Colon cancer, hereditary nonpolyposis, type 6, somatic. Identifiers: Orphanet 144, MedGen C1860896, MONDO:0013695, OMIM 614331.
Cardiovascular phenotype. Identifiers: MedGen CN230736.

Allele frequency attached by ClinVar (database versions not stated): gnomAD 0.00001; TOPMed 0.00001; gnomAD exomes 0.00002.

Submissions (7):

Labcorp Genetics (formerly Invitae), Labcorp
Classification: Uncertain significance for Familial thoracic aortic aneurysm and aortic dissection. Last evaluated: 2026-01-28. Review status: criteria provided, single submitter. Criteria: Invitae Variant Classification Sherloc (09022015). Collection method: clinical testing. Allele origin: germline.
Comment: This sequence change replaces arginine, which is basic and polar, with cysteine, which is neutral and slightly polar, at codon 403 of the TGFBR2 protein (p.Arg403Cys). This variant is not present in population databases (gnomAD no frequency). This variant has not been reported in the literature in individuals affected with TGFBR2-related conditions. ClinVar contains an entry for this variant (Variation ID: 263867). Invitae Evidence Modeling of protein sequence and biophysical properties (such as structural, functional, and spatial information, amino acid conservation, physicochemical variation, residue mobility, and thermodynamic stability) has been performed for this missense variant. However, the output from this modeling did not meet the statistical confidence thresholds required to predict the impact of this variant on TGFBR2 protein function. In summary, the available evidence is currently insufficient to determine the role of this variant in disease. Therefore, it has been classified as a Variant of Uncertain Significance.

Ambry Genetics
Classification: Uncertain significance for Familial thoracic aortic aneurysm and aortic dissection. Last evaluated: 2025-10-07. Review status: criteria provided, single submitter. Criteria: Ambry Variant Classification Scheme 2023. Collection method: clinical testing. Allele origin: germline.

All of Us Research Program, National Institutes of Health
Classification: Uncertain significance for Loeys-Dietz syndrome 2. Last evaluated: 2024-09-11. Review status: criteria provided, single submitter. Criteria: ACMG Guidelines, 2015. Collection method: clinical testing. Allele origin: germline. Inheritance: Autosomal dominant inheritance. Observed: 6 variant alleles, 6 heterozygotes.
Comment: Variant of Uncertain Significance due to insufficient evidence: This missense variant replaces arginine with cysteine at codon 428 of the TGFBR2 protein. Computational prediction tools and conservation analyses are inconclusive regarding the impact of this variant on the protein function. Computational splicing tools suggest that this variant may not impact RNA splicing. To our knowledge, functional assays have not been performed for this variant nor has this variant been reported in individuals affected with cardiovascular disorders in the literature. This variant has not been identified in the general population by the Genome Aggregation Database (gnomAD). Available evidence is insufficient to determine the role of this variant in disease conclusively.

This study involves interpretation of variants in research participants for the purpose of population health screening. Participant phenotype was not available at the time of variant classification. Additional details can be found in publication PMID: 35346344, PMCID: PMC8962531

Color Diagnostics, LLC DBA Color Health
Classification: Uncertain significance for Familial thoracic aortic aneurysm and aortic dissection. Last evaluated: 2024-03-06. Review status: criteria provided, single submitter. Criteria: ACMG Guidelines, 2015. Collection method: clinical testing. Allele origin: germline.
Comment: This missense variant replaces arginine with cysteine at codon 403 of the TGFBR2 protein. Computational prediction suggests that this variant may not impact protein structure and function (internally defined REVEL score threshold <= 0.5, PMID: 27666373). To our knowledge, functional studies have not been reported for this variant. This variant has not been reported in individuals affected with TGFBR2-related disorders in the literature. This variant has not been identified in the general population by the Genome Aggregation Database (gnomAD). The available evidence is insufficient to determine the role of this variant in disease conclusively. Therefore, this variant is classified as a Variant of Uncertain Significance.

GeneDx
Classification: Uncertain significance. Last evaluated: 2021-03-30. Review status: criteria provided, single submitter. Criteria: GeneDx Variant Classification Process June 2021. Collection method: clinical testing. Allele origin: germline. Affected: yes.
Comment: Has not been previously published as pathogenic or benign to our knowledge; Not observed in large population cohorts (Lek et al., 2016); In silico analysis supports that this missense variant has a deleterious effect on protein structure/function; Reported in ClinVar as a variant of uncertain significance (ClinVar Variant ID# 263867; Landrum et al., 2016)

Fulgent Genetics
Classification: Uncertain significance for Malignant tumor of esophagus; Loeys-Dietz syndrome 2; Colorectal cancer, hereditary nonpolyposis, type 6. Last evaluated: 2018-10-31. Review status: criteria provided, single submitter. Criteria: ACMG Guidelines, 2015. Collection method: clinical testing. Allele origin: unknown.

Ambry Genetics
Classification: Uncertain significance for Cardiovascular phenotype. Last evaluated: 2014-10-29. Review status: criteria provided, single submitter. Criteria: Ambry Autosomal Dominant and X-Linked criteria (10/2015). Collection method: clinical testing. Allele origin: germline. Observed: 1 variant allele.
Comment: The p.R428C variant (also known as c.1282C>T), located in coding exon 5 of the TGFBR2 gene, results from a C to T substitution at nucleotide position 1282. The arginine at codon 428 is replaced by cysteine, an amino acid with highly dissimilar properties. This variant was not reported in population based cohorts in the following databases: Database of Single Nucleotide Polymorphisms (dbSNP), NHLBI Exome Sequencing Project (ESP), and 1000 Genomes Project. In the ESP, this variant was not observed in 6,503 samples (13,006 alleles) with coverage at this position. This amino acid position is well conserved in available vertebrate species, except for three species. In addition, this alteration is predicted to be benign<span style="background-color: initial;">by PolyPhen but<span style="background-color: initial;">deleterious by SIFT <em style="background-color: initial;">in silico<span style="background-color: initial;"> analyses.<span style="background-color: initial;">Since supporting evidence is limited at this time, the clinical significance of this variant remains unclear.

NM_003242.6(TGFBR2):c.1207C>T (p.Arg403Cys)

Gene: TGFBR2 (transforming growth factor beta receptor 2; plus strand). Cytogenetic location: 3p24.1.
Variant type: single nucleotide variant.
Coding change: c.1207C>T on transcript NM_003242.6 (MANE Select); coding-DNA position 1207, C replaced by T.
Protein change: p.Arg403Cys; replaces arginine 403 with cysteine.
Molecular consequence: missense variant.
Genome position (GRCh38, 1-based): chr3:30,672,390, C>T. VCF-style: chr3-30672390-C-T. GRCh37 (hg19) VCF-style: chr3-30713882-C-T.
Other names: c.1234C>T, p.Arg412Cys (NM_001407128.1); c.1210C>T, p.Arg404Cys (NM_001407129.1); c.1207C>T, p.Arg403Cys (NM_001407130.1); c.1102C>T, p.Arg368Cys (NM_001407132.1, NM_001407133.1, NM_001407134.1 and 2 more transcripts); c.922C>T, p.Arg308Cys (NM_001407137.1); c.1282C>T, p.Arg428Cys (NM_001024847.3); c.1390C>T, p.Arg464Cys (NM_001407126.1); c.1315C>T, p.Arg439Cys (NM_001407127.1); and 1 more; short protein forms R428C, R403C, R412C, R464C, R283C, R308C, R368C, R404C.
Identifiers: ClinVar variation 263867 (VCV000263867.20), dbSNP rs886038960, ClinGen allele CA10587572.